The following is an entry in ClinVar:

ClinVar aggregate classification (germline): Uncertain significance (1 of 4 stars; one submission).

Conditions:
Cardiovascular phenotype. Identifiers: MedGen CN230736.

Submission:

Ambry Genetics
Classification: Uncertain significance for Cardiovascular phenotype. Last evaluated: 2022-03-11. Review status: criteria provided, single submitter. Criteria: Ambry Variant Classification Scheme 2023. Collection method: clinical testing. Allele origin: germline.
Comment: The p.S23C variant (also known as c.68C>G), located in coding exon 2 of the TRDN gene, results from a C to G substitution at nucleotide position 68. The serine at codon 23 is replaced by cysteine, an amino acid with dissimilar properties. This amino acid position is conserved. In addition, this alteration is predicted to be tolerated by in silico analysis. Since supporting evidence is limited at this time, the clinical significance of this alteration remains unclear.

NM_006073.4(TRDN):c.68C>G (p.Ser23Cys)

Gene: TRDN (triadin; minus strand). Cytogenetic location: 6q22.31.
Variant type: single nucleotide variant.
Coding change: c.68C>G on transcript NM_006073.4 (MANE Select); coding-DNA position 68, C replaced by G.
Protein change: p.Ser23Cys; replaces serine 23 with cysteine.
Molecular consequence: missense variant.
Genome position (GRCh38, 1-based): chr6:123,571,087, G>C on the plus strand (C>G on the coding strand, the complement: TRDN is on the minus strand). VCF-style: chr6-123571087-G-C. GRCh37 (hg19) VCF-style: chr6-123892232-G-C.
Other names: c.68C>G, p.Ser23Cys (NM_001251987.2, NM_001256020.2, NM_001256021.2 and 2 more transcripts); short protein forms S23C.
Identifiers: ClinVar variation 1756052 (VCV001756052.2), dbSNP rs2534610362, ClinGen allele CA365569347.